The following is an entry in ClinVar:

NM_001267550.2(TTN):c.81891C>T (p.Ala27297=)

Genes: TTN (titin; minus strand), TTN-AS1 (TTN antisense RNA 1; plus strand). Cytogenetic location: 2q31.2.
Variant type: single nucleotide variant.
Coding change: c.81891C>T on transcript NM_001267550.2 (MANE Select); coding-DNA position 81891, C replaced by T.
Protein change: p.Ala27297=; no amino-acid change (alanine 27297 retained).
Molecular consequence: synonymous variant.
Genome position (GRCh38, 1-based): chr2:178,564,241, G>A on the plus strand (C>T on the coding strand, the complement: TTN is on the minus strand). VCF-style: chr2-178564241-G-A. GRCh37 (hg19) VCF-style: chr2-179428968-G-A.
Other names: c.76968C>T, p.Ala25656= (NM_001256850.1); c.54696C>T, p.Ala18232= (NM_003319.4); c.74187C>T, p.Ala24729= (NM_133378.4); c.55071C>T, p.Ala18357= (NM_133432.3); c.55272C>T, p.Ala18424= (NM_133437.4).
Identifiers: ClinVar variation 732939 (VCV000732939.44), dbSNP rs370796537, ClinGen allele CA1989139.

ClinVar aggregate classification (germline): Likely benign. Review status: criteria provided, multiple submitters, no conflicts (2 of 4 stars). 4 submissions from 4 submitters: Likely benign (4). Last evaluated 2026-06-01.

Conditions:
Cardiovascular phenotype. Identifiers: MedGen CN230736.
Dilated cardiomyopathy 1G (CMD1G). Identifiers: Orphanet 154, MedGen C1858763, MONDO:0011400, OMIM 604145.
Autosomal recessive limb-girdle muscular dystrophy type 2J (LGMDR10). Also called: Limb-girdle muscular dystrophy, type 2J; MUSCULAR DYSTROPHY, LIMB-GIRDLE, AUTOSOMAL RECESSIVE 10. Identifiers: Orphanet 140922, MedGen C1837342, MONDO:0012127, OMIM 608807.

Allele frequency attached by ClinVar (database versions not stated): ExAC 0.00001; gnomAD exomes 0.00001; gnomAD 0.00006; ESP Exome Variant Server 0.00008; TOPMed 0.00008.
gnomAD v4.1: 18 of 1,613,022 alleles (0.0011%); highest among the groups gnomAD compares: African/African-American, 0.017%; no homozygotes.

Submissions (4):

Women's Health and Genetics/Laboratory Corporation of America, LabCorp
Classification: Likely benign. Last evaluated: 2026-06-01. Review status: criteria provided, single submitter. Criteria: LabCorp Variant Classification Summary - May 2015. Collection method: clinical testing. Allele origin: germline.

Labcorp Genetics (formerly Invitae), Labcorp
Classification: Likely benign for Dilated cardiomyopathy 1G; Autosomal recessive limb-girdle muscular dystrophy type 2J. Last evaluated: 2025-11-23. Review status: criteria provided, single submitter. Criteria: Invitae Variant Classification Sherloc (09022015). Collection method: clinical testing. Allele origin: germline.

Ambry Genetics
Classification: Likely benign for Cardiovascular phenotype. Last evaluated: 2023-01-16. Review status: criteria provided, single submitter. Criteria: Ambry Variant Classification Scheme 2023. Collection method: clinical testing. Allele origin: germline.

CeGaT Center for Human Genetics Tuebingen
Classification: Likely benign. Last evaluated: 2022-05-01. Review status: criteria provided, single submitter. Criteria: CeGaT Center For Human Genetics Tuebingen Variant Classification Criteria Version 2. Collection method: clinical testing. Allele origin: germline. Affected: yes. Observed: 1 variant allele.
Comment: TTN: BP4, BP7